The following is an entry in ClinVar:

NM_001999.4(FBN2):c.2359T>C (p.Leu787=)

Gene: FBN2 (fibrillin 2; minus strand). Cytogenetic location: 5q23.3.
Variant type: single nucleotide variant.
Coding change: c.2359T>C on transcript NM_001999.4 (MANE Select); coding-DNA position 2359, T replaced by C.
Protein change: p.Leu787=; no amino-acid change (leucine 787 retained).
Molecular consequence: synonymous variant.
Genome position (GRCh38, 1-based): chr5:128,364,669, A>G on the plus strand (T>C on the coding strand, the complement: FBN2 is on the minus strand). VCF-style: chr5-128364669-A-G. GRCh37 (hg19) VCF-style: chr5-127700362-A-G.
Other names: c.2359T>C (NM_001999.3).
Identifiers: ClinVar variation 2738690 (VCV002738690.20), dbSNP rs756348656, ClinGen allele CA3395572.

ClinVar aggregate classification (germline): Benign/Likely benign. Review status: criteria provided, multiple submitters, no conflicts (2 of 4 stars). 3 submissions from 3 submitters: Benign (1); Likely benign (2). Last evaluated 2025-06-30.

Conditions:
Familial thoracic aortic aneurysm and aortic dissection (TAAD). Also called: Thoracic aortic aneurysms and dissections. Identifiers: Orphanet 91387, MedGen C4707243, MONDO:0019625.
Congenital contractural arachnodactyly (CCA). Also called: BEALS SYNDROME; Beals-Hecht syndrome; Arthrogryposis, distal, type 9. Identifiers: Orphanet 115, MedGen C0220668, MONDO:0007363, OMIM 121050.

gnomAD v4.1: 12 of 1,613,338 alleles (0.00074%); highest among the groups gnomAD compares: Admixed American, 0.012%; no homozygotes.

Submissions (3):

Ambry Genetics
Classification: Likely benign for Familial thoracic aortic aneurysm and aortic dissection. Last evaluated: 2025-06-30. Review status: criteria provided, single submitter. Criteria: Ambry Variant Classification Scheme 2023. Collection method: clinical testing. Allele origin: germline.

CeGaT Center for Human Genetics Tuebingen
Classification: Likely benign. Last evaluated: 2024-08-01. Review status: criteria provided, single submitter. Criteria: CeGaT Center For Human Genetics Tuebingen Variant Classification Criteria Version 2. Collection method: clinical testing. Allele origin: germline. Affected: yes. Observed: 1 variant allele.
Comment: FBN2: BP4, BP7

Labcorp Genetics (formerly Invitae), Labcorp
Classification: Benign for Congenital contractural arachnodactyly. Last evaluated: 2023-10-29. Review status: criteria provided, single submitter. Criteria: Invitae Variant Classification Sherloc (09022015). Collection method: clinical testing. Allele origin: germline.